The following is an entry in ClinVar:

ClinVar aggregate classification (germline): Likely pathogenic (1 of 4 stars; one submission).

Conditions:
Usher syndrome type 2C. Also called: Usher syndrome, type 2B; USHER SYNDROME, TYPE IIC. Identifiers: Orphanet 231178, Orphanet 886, MedGen C2931213, MONDO:0011558, OMIM 605472.

Submission:

Institute of Rare Diseases, West China Hospital, Sichuan University
Classification: Likely pathogenic for Usher syndrome type 2C. Last evaluated: 2025-01-09. Review status: criteria provided, single submitter. Criteria: ClinGen HL ACMG Specifications v1. Collection method: research. Allele origin: germline. Affected: yes.
Comment: PVS1;PM2_Supporting

NM_032119.4(ADGRV1):c.6083del (p.Pro2028fs)

Gene: ADGRV1 (adhesion G protein-coupled receptor V1; plus strand). Cytogenetic location: 5q14.3.
Variant type: Deletion.
Coding change: c.6083del on transcript NM_032119.4 (MANE Select); coding-DNA position 6083, one base deleted (C; older notation c.6083delC).
Protein change: p.Pro2028fs; shifts the reading frame from proline 2028.
Molecular consequence: frameshift variant. On other transcripts: non-coding transcript variant (1).
Genome position (GRCh38, 1-based): chr5:90,684,004, C deleted; the last of 2 consecutive C bases (chr5:90,684,003-90,684,004); deleting either gives the same sequence. VCF-style (leftmost placement, unchanged base first): chr5-90684002-TC-T. GRCh37 (hg19) VCF-style: chr5-89979819-TC-T.
Other names: short protein forms P2028fs.
Identifiers: ClinVar variation 3601753 (VCV003601753.1).